The following is an entry in ClinVar:

ClinVar aggregate classification (germline): Uncertain significance (1 of 4 stars; one submission).

Conditions:
Cardiovascular phenotype. Identifiers: MedGen CN230736.

gnomAD v4.1: 3 of 1,613,876 alleles (0.00019%); highest among the groups gnomAD compares: Admixed American, 0.0033%; no homozygotes.

Submission:

Ambry Genetics
Classification: Uncertain significance for Cardiovascular phenotype. Last evaluated: 2024-07-06. Review status: criteria provided, single submitter. Criteria: Ambry Variant Classification Scheme 2023. Collection method: clinical testing. Allele origin: germline.
Comment: The p.G385V variant (also known as c.1154G>T), located in coding exon 8 of the TBX20 gene, results from a G to T substitution at nucleotide position 1154. The glycine at codon 385 is replaced by valine, an amino acid with dissimilar properties. This amino acid position is conserved. In addition, the in silico prediction for this alteration is inconclusive. Based on the available evidence, the clinical significance of this variant remains unclear.

NM_001077653.2(TBX20):c.1154G>T (p.Gly385Val)

Gene: TBX20 (T-box transcription factor 20; minus strand). Cytogenetic location: 7p14.2.
Variant type: single nucleotide variant.
Coding change: c.1154G>T on transcript NM_001077653.2 (MANE Select); coding-DNA position 1154, G replaced by T.
Protein change: p.Gly385Val; replaces glycine 385 with valine.
Molecular consequence: missense variant.
Genome position (GRCh38, 1-based): chr7:35,202,620, C>A on the plus strand (G>T on the coding strand, the complement: TBX20 is on the minus strand). VCF-style: chr7-35202620-C-A. GRCh37 (hg19) VCF-style: chr7-35242232-C-A.
Other names: short protein forms G385V.
Identifiers: ClinVar variation 3453871 (VCV003453871.1).